The following is an entry in ClinVar:

ClinVar aggregate classification (germline): Pathogenic (1 of 4 stars; one submission).

Conditions:
Thrombocytopenia, X-linked, with or without dyserythropoietic anemia (XLTDA). Identifiers: Orphanet 67044, MedGen C3550789, MONDO:0010308, OMIM 300367.

Submission:

Institute for Clinical Chemistry and Laboratory Medicine, University Medical Center Mainz
Classification: Pathogenic for Thrombocytopenia, X-linked, with or without dyserythropoietic anemia. Last evaluated: 2023-09-04. Review status: criteria provided, single submitter. Criteria: ACMG Guidelines, 2015. Collection method: clinical testing. Allele origin: germline. Inheritance: X-linked recessive inheritance. Affected: yes and no. Observed: 2 heterozygotes, 1 hemizygote. Clinical features observed: Congenital thrombocytopenia (HP:0001905), X-linked recessive inheritance (HP:0001419), Reduced platelet alpha granules (HP:0033536), Bruising susceptibility (HP:0000978), Abnormal bleeding (HP:0001892), Abnormal platelet function (HP:0011869), Macrothrombocytopenia (HP:0040185), Impaired platelet aggregation (HP:0003540), Skewed X inactivation, Abnormal dense granules (HP:0012484).
Comment: We identified this variant in 3 individuals from one family (PMID: 36231035). The variant is highly conserved, rare as it is not known in dbSNP, and prediction tools (Mutation Taster, PolyPhen2, SIFT, PROVEAN) all predict pathogenicity. It is located between the C-terminal zinc finger and the nuclear localization sequence of GATA1. In this region (aa283–300), no common variants (MAF > 1%) and only two pathogenic variants also causing XLT with mild anemia have been reported (PMID: 27342114, 36291092, 35446378). Therfore, we classified this variant as pathogenic.

Literature cited by the submitters: PubMed 36231035.

NM_002049.4(GATA1):c.886A>C (p.Thr296Pro)

Gene: GATA1 (GATA binding protein 1; plus strand). Cytogenetic location: Xp11.23.
Variant type: single nucleotide variant.
Coding change: c.886A>C on transcript NM_002049.4 (MANE Select); coding-DNA position 886, A replaced by C.
Protein change: p.Thr296Pro; replaces threonine 296 with proline.
Molecular consequence: missense variant.
Genome position (GRCh38, 1-based): chrX:48,793,808, A>C. VCF-style: chrX-48793808-A-C. GRCh37 (hg19) VCF-style: chrX-48652215-A-C.
Other names: short protein forms T296P.
Identifiers: ClinVar variation 2578025 (VCV002578025.2), dbSNP rs2519346409, ClinGen allele CA412871492.